The following is an entry in ClinVar:

NM_018112.3(TMEM38B):c.392C>T (p.Thr131Ile)

Gene: TMEM38B (transmembrane protein 38B; plus strand). Cytogenetic location: 9q31.2.
Variant type: single nucleotide variant.
Coding change: c.392C>T on transcript NM_018112.3 (MANE Select); coding-DNA position 392, C replaced by T.
Protein change: p.Thr131Ile; replaces threonine 131 with isoleucine.
Molecular consequence: missense variant.
Genome position (GRCh38, 1-based): chr9:105,721,659, C>T. VCF-style: chr9-105721659-C-T. GRCh37 (hg19) VCF-style: chr9-108483940-C-T.
Other names: short protein forms T131I.
Identifiers: ClinVar variation 1935126 (VCV001935126.5), dbSNP rs1836325204, ClinGen allele CA374380340.

ClinVar aggregate classification (germline): Uncertain significance (1 of 4 stars; one submission).

Allele frequency attached by ClinVar (database versions not stated): gnomAD exomes below 0.00001; TOPMed below 0.00001.
gnomAD v4.1: 1 of 1,613,600 alleles (0.000062%); highest among the groups gnomAD compares: Non-Finnish European, 0.000085%; no homozygotes.

Submission:

Labcorp Genetics (formerly Invitae), Labcorp
Classification: Uncertain significance. Last evaluated: 2022-05-15. Review status: criteria provided, single submitter. Criteria: Invitae Variant Classification Sherloc (09022015). Collection method: clinical testing. Allele origin: germline.
Comment: In summary, the available evidence is currently insufficient to determine the role of this variant in disease. Therefore, it has been classified as a Variant of Uncertain Significance. Algorithms developed to predict the effect of missense changes on protein structure and function (SIFT, PolyPhen-2, Align-GVGD) all suggest that this variant is likely to be tolerated. This variant has not been reported in the literature in individuals affected with TMEM38B-related conditions. This variant is not present in population databases (gnomAD no frequency). This sequence change replaces threonine, which is neutral and polar, with isoleucine, which is neutral and non-polar, at codon 131 of the TMEM38B protein (p.Thr131Ile).